The following is an entry in ClinVar:

ClinVar aggregate classification (germline): Uncertain significance. Review status: criteria provided, multiple submitters, no conflicts (2 of 4 stars). 2 submissions from 2 submitters: Uncertain significance (2). Last evaluated 2025-11-07.

Conditions:
Inborn genetic diseases. Identifiers: MedGen C0950123, MeSH D030342.

gnomAD v4.1: 1 of 1,614,126 alleles (0.000062%); highest among the groups gnomAD compares: African/African-American, 0.0013%; no homozygotes.

Submissions (2):

Dasa
Classification: Uncertain significance. Last evaluated: 2025-11-07. Review status: criteria provided, single submitter. Criteria: DASA Assertion Criteria. Collection method: clinical testing. Allele origin: germline.
Comment: NM_001940.4(ATN1):c.2908C>T (p.Pro970Ser) is a missense variant that results in the substitution of proline with serine. This variant is rare in population databases. Computational prediction algorithms are consistent with a benign effect. The currently available literature and clinical evidence are not sufficient to establish a definitive association between this variant and the reported condition. Therefore, this variant is classified as a variant of uncertain significance.

Ambry Genetics
Classification: Uncertain significance for Inborn genetic diseases. Last evaluated: 2025-08-20. Review status: criteria provided, single submitter. Criteria: Ambry Variant Classification Scheme 2023. Collection method: clinical testing. Allele origin: germline.

NM_001940.4(ATN1):c.2908C>T (p.Pro970Ser)

Gene: ATN1 (atrophin 1; plus strand). Cytogenetic location: 12p13.31.
Variant type: single nucleotide variant.
Coding change: c.2908C>T on transcript NM_001940.4 (MANE Select); coding-DNA position 2908, C replaced by T.
Protein change: p.Pro970Ser; replaces proline 970 with serine.
Molecular consequence: missense variant.
Genome position (GRCh38, 1-based): chr12:6,938,871, C>T. VCF-style: chr12-6938871-C-T. GRCh37 (hg19) VCF-style: chr12-7048034-C-T.
Other names: c.2908C>T, p.Pro970Ser (NM_001007026.2, NM_001424176.1, NM_001424177.1 and 1 more transcripts); c.2905C>T, p.Pro969Ser (NM_001424179.1, NM_001424180.1); short protein forms P969S, P970S.
Identifiers: ClinVar variation 4171042 (VCV004171042.3).